The following is an entry in ClinVar:

ClinVar aggregate classification (germline): Likely pathogenic (1 of 4 stars; one submission).

Conditions:
Neurofibromatosis, type 1 (NF1). Also called: VON RECKLINGHAUSEN DISEASE; Neurofibromatosis, type I; NEUROFIBROMATOSIS, TYPE I, SOMATIC; Peripheral type neurofibromatosis. Identifiers: Orphanet 636, MedGen C0027831, MONDO:0018975, OMIM 162200. Disease mechanism: loss of function.
Neurofibromatosis, familial spinal (FSNF). Identifiers: Orphanet 636, MedGen C1834235, MONDO:0008078, OMIM 162210. Disease mechanism: loss of function.
Café-au-lait macules with pulmonary stenosis (WTSN). Also called: PULMONIC STENOSIS WITH CAFE-AU-LAIT SPOTS. Identifiers: MedGen C0553586, MONDO:0008672, OMIM 193520.

Submission:

Molecular Genetics Department, Kulakov National Medical Research Center for Obstetrics, Gynecology and Perinatology
Classification: Likely pathogenic for Neurofibromatosis, type 1; Neurofibromatosis, familial spinal; Café-au-lait macules with pulmonary stenosis. Review status: criteria provided, single submitter. Criteria: ACMG Guidelines, 2015. Collection method: clinical testing. Allele origin: germline. Affected: yes. Observed: 1 variant allele.
Comment: A previously undescribed heterozygous nucleotide variant creates a frameshift p.His1842LysfsTer20 in the NF1 gene. Heterozygous variants are reported in patients with neurofibromatosis, familial spinal, 162210; Neurofibromatosis-Noonan syndrome, 601321; Neurofibromatosis, type 1, 162200. The variant is not present in population database (gnomAD no frequency). In summary, the currently available evidence indicates that the variant is pathogenic, but additional data are needed to prove that conclusively. Therefore, this variant has been classified as likely pathogenic.

NM_001042492.3(NF1):c.5534_5535insGACTCTA (p.Ile1845fs)

Gene: NF1 (neurofibromin 1; plus strand). Cytogenetic location: 17q11.2.
Variant type: Insertion.
Coding change: c.5534_5535insGACTCTA on transcript NM_001042492.3 (MANE Select); coding-DNA positions 5534 to 5535, GACTCTA inserted.
Protein change: p.Ile1845fs; shifts the reading frame from isoleucine 1845.
Molecular consequence: frameshift variant.
Genome position: GRCh38 VCF-style: chr17-31327764-T-TGACTCTA. GRCh37 (hg19) VCF-style: chr17-29654782-T-TGACTCTA.
Other names: c.5471_5472insGACTCTA, p.Ile1824fs (NM_000267.4); short protein forms I1824fs, I1845fs.
Identifiers: ClinVar variation 4294423 (VCV004294423.1).